The following is an entry in ClinVar:

NM_016216.4(DBR1):c.155T>C (p.Met52Thr)

Genes: DBR1 (debranching RNA lariats 1; minus strand), LOC129937648 (ATAC-STARR-seq lymphoblastoid active region 20601; plus strand). Cytogenetic location: 3q22.3.
Variant type: single nucleotide variant.
Coding change: c.155T>C on transcript NM_016216.4 (MANE Select); coding-DNA position 155, T replaced by C.
Protein change: p.Met52Thr; replaces methionine 52 with threonine.
Molecular consequence: missense variant.
Genome position (GRCh38, 1-based): chr3:138,174,641, A>G on the plus strand (T>C on the coding strand, the complement: DBR1 is on the minus strand). VCF-style: chr3-138174641-A-G. GRCh37 (hg19) VCF-style: chr3-137893483-A-G.
Other names: short protein forms M52T.
Identifiers: ClinVar variation 2906575 (VCV002906575.3), dbSNP rs1168590207, ClinGen allele CA354679022.

ClinVar aggregate classification (germline): Uncertain significance (1 of 4 stars; one submission).

gnomAD v4.1: 4 of 1,506,086 alleles (0.00027%); highest among the groups gnomAD compares: Admixed American, 0.0035%; no homozygotes.

Submission:

Labcorp Genetics (formerly Invitae), Labcorp
Classification: Uncertain significance. Last evaluated: 2023-02-09. Review status: criteria provided, single submitter. Criteria: Invitae Variant Classification Sherloc (09022015). Collection method: clinical testing. Allele origin: germline.
Comment: In summary, the available evidence is currently insufficient to determine the role of this variant in disease. Therefore, it has been classified as a Variant of Uncertain Significance. This variant has not been reported in the literature in individuals affected with DBR1-related conditions. Algorithms developed to predict the effect of missense changes on protein structure and function (SIFT, PolyPhen-2, Align-GVGD) all suggest that this variant is likely to be disruptive. This sequence change replaces methionine, which is neutral and non-polar, with threonine, which is neutral and polar, at codon 52 of the DBR1 protein (p.Met52Thr). This variant is present in population databases (no rsID available, gnomAD 0.003%).